The following is an entry in ClinVar:

NM_017514.5(PLXNA3):c.1737G>A (p.Ala579=)

Gene: PLXNA3 (plexin A3; plus strand). Cytogenetic location: Xq28.
Variant type: single nucleotide variant.
Coding change: c.1737G>A on transcript NM_017514.5 (MANE Select); coding-DNA position 1737, G replaced by A.
Protein change: p.Ala579=; no amino-acid change (alanine 579 retained).
Molecular consequence: synonymous variant.
Genome position (GRCh38, 1-based): chrX:154,464,222, G>A. VCF-style: chrX-154464222-G-A. GRCh37 (hg19) VCF-style: chrX-153692565-G-A.
Other names: c.1737G>A (NM_017514.3).
Identifiers: ClinVar variation 732729 (VCV000732729.6), dbSNP rs151275064, ClinGen allele CA10564159.

ClinVar aggregate classification (germline): Benign/Likely benign. Review status: criteria provided, multiple submitters, no conflicts (2 of 4 stars). 3 submissions from 3 submitters: Benign (1); Likely benign (1). 1 of the submissions does not count toward it. Last evaluated 2024-11-11.

Conditions:
PLXNA3-related disorder. Also called: PLXNA3-related condition.

Allele frequency attached by ClinVar (database versions not stated): ESP Exome Variant Server 0.00038; gnomAD 0.00059 and 0.00062; TOPMed 0.00064; gnomAD exomes 0.00074 and 0.00149; ExAC 0.00094.
gnomAD v4.1: 1,688 of 1,207,173 alleles (0.14%); highest among the groups gnomAD compares: Non-Finnish European, 0.18%; no homozygotes.

Submissions (3):

Ambry Genetics
Classification: Likely benign. Last evaluated: 2024-11-11. Review status: criteria provided, single submitter. Criteria: Ambry Variant Classification Scheme 2023. Collection method: clinical testing. Allele origin: germline.

Labcorp Genetics (formerly Invitae), Labcorp
Classification: Benign. Last evaluated: 2018-07-16. Review status: criteria provided, single submitter. Criteria: Invitae Variant Classification Sherloc (09022015). Collection method: clinical testing. Allele origin: germline.

PreventionGenetics, part of Exact Sciences
Classification: Likely benign for PLXNA3-related condition. Last evaluated: 2021-06-28. Review status: no assertion criteria provided. Collection method: clinical testing. Allele origin: germline. Not counted in ClinVar's aggregate classification.
Comment: This variant is classified as likely benign based on ACMG/AMP sequence variant interpretation guidelines (Richards et al. 2015 PMID: 25741868, with internal and published modifications).